The following is an entry in ClinVar:

ClinVar aggregate classification (germline): Uncertain significance (1 of 4 stars; one submission).

Conditions:
Familial thoracic aortic aneurysm and aortic dissection (TAAD). Also called: Thoracic aortic aneurysms and dissections. Identifiers: Orphanet 91387, MedGen C4707243, MONDO:0019625.

Submission:

Ambry Genetics
Classification: Uncertain significance for Familial thoracic aortic aneurysm and aortic dissection. Last evaluated: 2026-04-20. Review status: criteria provided, single submitter. Criteria: Ambry Variant Classification Scheme 2023. Collection method: clinical testing. Allele origin: germline.
Comment: The p.L478I variant (also known as c.1432C>A), located in coding exon 20 of the COL3A1 gene, results from a C to A substitution at nucleotide position 1432. The leucine at codon 478 is replaced by isoleucine, an amino acid with highly similar properties. This amino acid position is conserved. In addition, this alteration is predicted to be tolerated by in silico analysis. Based on the available evidence, the clinical significance of this variant remains unclear.

NM_000090.4(COL3A1):c.1432C>A (p.Leu478Ile)

Gene: COL3A1 (collagen type III alpha 1 chain; plus strand). Cytogenetic location: 2q32.2.
Variant type: single nucleotide variant.
Coding change: c.1432C>A on transcript NM_000090.4 (MANE Select); coding-DNA position 1432, C replaced by A.
Protein change: p.Leu478Ile; replaces leucine 478 with isoleucine.
Molecular consequence: missense variant.
Genome position (GRCh38, 1-based): chr2:188,994,808, C>A. VCF-style: chr2-188994808-C-A. GRCh37 (hg19) VCF-style: chr2-189859534-C-A.
Other names: short protein forms L478I.
Identifiers: ClinVar variation 4869170 (VCV004869170.1).